The following is an entry in ClinVar:

NM_001458.5(FLNC):c.3803A>G (p.Glu1268Gly)

Gene: FLNC (filamin C; plus strand). Cytogenetic location: 7q32.1.
Variant type: single nucleotide variant.
Coding change: c.3803A>G on transcript NM_001458.5 (MANE Select); coding-DNA position 3803, A replaced by G.
Protein change: p.Glu1268Gly; replaces glutamic acid 1268 with glycine.
Molecular consequence: missense variant.
Genome position (GRCh38, 1-based): chr7:128,846,002, A>G. VCF-style: chr7-128846002-A-G. GRCh37 (hg19) VCF-style: chr7-128486056-A-G.
Other names: c.3803A>G, p.Glu1268Gly (NM_001127487.2); short protein forms E1268G.
Identifiers: ClinVar variation 651085 (VCV000651085.6), dbSNP rs1585161164, ClinGen allele CA369198339.

ClinVar aggregate classification (germline): Uncertain significance (1 of 4 stars; one submission).

Conditions:
Hypertrophic cardiomyopathy 26. Also called: Cardiomyopathy, familial hypertrophic, 26. Identifiers: Orphanet 75249, MedGen C4310749, MONDO:0014883, OMIM 617047.
Myofibrillar myopathy 5. Also called: Filaminopathy (type); FILAMINOPATHY, AUTOSOMAL DOMINANT. Identifiers: Orphanet 171445, MedGen C1836050, MONDO:0012289, OMIM 609524.
Distal myopathy with posterior leg and anterior hand involvement. Also called: WILLIAMS DISTAL MYOPATHY. Identifiers: Orphanet 63273, MedGen C3279722, MONDO:0013550, OMIM 614065.

Allele frequency attached by ClinVar (database versions not stated): gnomAD exomes below 0.00001.
gnomAD v4.1: 1 of 1,613,706 alleles (0.000062%); highest among the groups gnomAD compares: East Asian, 0.0022%; no homozygotes.

Submission:

Labcorp Genetics (formerly Invitae), Labcorp
Classification: Uncertain significance for Distal myopathy with posterior leg and anterior hand involvement; Myofibrillar myopathy 5; Hypertrophic cardiomyopathy 26. Last evaluated: 2023-12-11. Review status: criteria provided, single submitter. Criteria: Invitae Variant Classification Sherloc (09022015). Collection method: clinical testing. Allele origin: germline.
Comment: This sequence change replaces glutamic acid, which is acidic and polar, with glycine, which is neutral and non-polar, at codon 1268 of the FLNC protein (p.Glu1268Gly). This variant is not present in population databases (gnomAD no frequency). This variant has not been reported in the literature in individuals affected with FLNC-related conditions. ClinVar contains an entry for this variant (Variation ID: 651085). Advanced modeling of protein sequence and biophysical properties (such as structural, functional, and spatial information, amino acid conservation, physicochemical variation, residue mobility, and thermodynamic stability) has been performed at Invitae for this missense variant, however the output from this modeling did not meet the statistical confidence thresholds required to predict the impact of this variant on FLNC protein function. In summary, the available evidence is currently insufficient to determine the role of this variant in disease. Therefore, it has been classified as a Variant of Uncertain Significance.